The following is an entry in ClinVar:

ClinVar aggregate classification (germline): Uncertain significance. Review status: criteria provided, multiple submitters, no conflicts (2 of 4 stars). 2 submissions from 2 submitters: Uncertain significance (2). Last evaluated 2024-03-18.

Conditions:
Hereditary nonpolyposis colorectal neoplasms. Identifiers: MedGen C0009405, MeSH D003123.
Hereditary cancer-predisposing syndrome. Also called: Hereditary neoplastic syndrome; Neoplastic Syndromes, Hereditary; Hereditary Cancer Syndrome; Tumor predisposition. Identifiers: Orphanet 140162, MedGen C0027672, MeSH D009386, MONDO:0015356.

gnomAD v4.1: 1 of 1,613,798 alleles (0.000062%); highest among the groups gnomAD compares: Admixed American, 0.0017%; no homozygotes.

Submissions (2):

Ambry Genetics
Classification: Uncertain significance for Hereditary cancer-predisposing syndrome. Last evaluated: 2024-03-18. Review status: criteria provided, single submitter. Criteria: Ambry Variant Classification Scheme 2023. Collection method: clinical testing. Allele origin: germline.
Comment: The p.C1294S variant (also known as c.3881G>C), located in coding exon 9 of the MSH6 gene, results from a G to C substitution at nucleotide position 3881. The cysteine at codon 1294 is replaced by serine, an amino acid with dissimilar properties. This amino acid position is conserved. In addition, this alteration is predicted to be deleterious by in silico analysis. Based on the available evidence, the clinical significance of this alteration remains unclear.

Labcorp Genetics (formerly Invitae), Labcorp
Classification: Uncertain significance for Hereditary nonpolyposis colorectal neoplasms. Last evaluated: 2022-10-25. Review status: criteria provided, single submitter. Criteria: Invitae Variant Classification Sherloc (09022015). Collection method: clinical testing. Allele origin: germline.
Comment: This sequence change replaces cysteine, which is neutral and slightly polar, with serine, which is neutral and polar, at codon 1294 of the MSH6 protein (p.Cys1294Ser). This variant is not present in population databases (gnomAD no frequency). This variant has not been reported in the literature in individuals affected with MSH6-related conditions. Algorithms developed to predict the effect of missense changes on protein structure and function (SIFT, PolyPhen-2, Align-GVGD) all suggest that this variant is likely to be disruptive. In summary, the available evidence is currently insufficient to determine the role of this variant in disease. Therefore, it has been classified as a Variant of Uncertain Significance.

NM_000179.3(MSH6):c.3881G>C (p.Cys1294Ser)

Gene: MSH6 (mutS homolog 6; plus strand). Cytogenetic location: 2p16.3.
Variant type: single nucleotide variant.
Coding change: c.3881G>C on transcript NM_000179.3 (MANE Select); coding-DNA position 3881, G replaced by C.
Protein change: p.Cys1294Ser; replaces cysteine 1294 with serine.
Molecular consequence: missense variant.
Genome position (GRCh38, 1-based): chr2:47,806,531, G>C. VCF-style: chr2-47806531-G-C. GRCh37 (hg19) VCF-style: chr2-48033670-G-C.
Other names: c.3491G>C, p.Cys1164Ser (NM_001281492.2); c.2975G>C, p.Cys992Ser (NM_001281493.2, NM_001281494.2, NM_001406811.1 and 6 more transcripts); c.3977G>C, p.Cys1326Ser (NM_001406795.1); c.3881G>C, p.Cys1294Ser (NM_001406796.1, NM_001406808.1, NM_001406809.1); c.3584G>C, p.Cys1195Ser (NM_001406797.1, NM_001406801.1, NM_001406805.1 and 10 more transcripts); c.3707G>C, p.Cys1236Ser (NM_001406798.1); c.3356G>C, p.Cys1119Ser (NM_001406799.1, NM_001406806.1, NM_001406807.1); c.3868G>C, p.Val1290Leu (NM_001406800.1); and 8 more; short protein forms C1006S, C1119S, C1164S, C1195S, C1236S, C1238S, C1268S, C1294S.
Identifiers: ClinVar variation 1719022 (VCV001719022.4), dbSNP rs878853741, ClinGen allele CA346761378.